The following is an entry in ClinVar:

NM_002080.4(GOT2):c.784C>G (p.Arg262Gly)

Gene: GOT2 (glutamic-oxaloacetic transaminase 2; minus strand). Cytogenetic location: 16q21.
Variant type: single nucleotide variant.
Coding change: c.784C>G on transcript NM_002080.4 (MANE Select); coding-DNA position 784, C replaced by G.
Protein change: p.Arg262Gly; replaces arginine 262 with glycine.
Molecular consequence: missense variant.
Genome position (GRCh38, 1-based): chr16:58,716,732, G>C on the plus strand (C>G on the coding strand, the complement: GOT2 is on the minus strand). VCF-style: chr16-58716732-G-C. GRCh37 (hg19) VCF-style: chr16-58750636-G-C.
Other names: c.655C>G, p.Arg219Gly (NM_001286220.2); short protein forms R219G, R262G.
Identifiers: ClinVar variation 691280 (VCV000691280.7), dbSNP rs752927520, ClinGen allele CA396165754.
Genomic context (GRCh38, chr16:58,716,732, plus strand): 5'-CCATGTTCTTGGCATATGATTGGCAGAGGCAAACATTAATGCCCTGTTCGATGAAGTGGC[G>C]CACAGCCCAGGCATCCTTATCACCATCACCACTGGCAAAGCCTTGGTAGGCCATGTCAAA-3'
Protein context (NP_002071.2, residues 252-272): GDGDKDAWAV[Arg262Gly]HFIEQGINVC

ClinVar aggregate classification (germline): Likely pathogenic. Review status: criteria provided, multiple submitters, no conflicts (2 of 4 stars). 3 submissions from 3 submitters: Likely pathogenic (2). 1 of the submissions does not count toward it. Last evaluated 2020-05-29.

Conditions:
Developmental and epileptic encephalopathy. Identifiers: MedGen C5779964, MONDO:0100620.
Developmental and epileptic encephalopathy, 82. Also called: EPILEPTIC ENCEPHALOPATHY, EARLY INFANTILE, 82; GLUTAMATE OXALOACETATE TRANSAMINASE, MITOCHONDRIAL, DEFICIENCY OF; GOT2 DEFICIENCY. Identifiers: MedGen C5231473, MONDO:0032880, OMIM 618721.

Submissions (3):

Broad Center for Mendelian Genomics, Broad Institute of MIT and Harvard
Classification: Likely pathogenic for Developmental and epileptic encephalopathy. Last evaluated: 2020-05-29. Review status: criteria provided, single submitter. Criteria: ACMG Guidelines, 2015. Collection method: research. Allele origin: germline. Inheritance: Autosomal recessive inheritance.
Comment: The homozygous p.Arg262Gly variant in GOT2 was identified by our study in 2 siblings with early infantile epileptic encephalopathy (PMID: 31422819). The variant was absent from large population studies. This variant has also been reported in ClinVar as pathogenic by OMIM and likely pathogenic by TIDEX, University of British Columbia (Variation ID: 691280). In vitro functional studies provide some evidence that the variant may slightly impact protein function (PMID: 31422819). However, these types of assays may not accurately represent biological function. Computational prediction tools and conservation analyses suggest that this variant may impact the protein, though this information is not predictive enough to determine pathogenicity. In summary, although additional studies are required to fully establish its clinical significance, this variant is likely pathogenic. ACMG/AMP Criteria applied: PM2, PP3, PM3_supporting, PS3_moderate (Richards 2015).

TIDEX, University of British Columbia
Classification: Likely pathogenic for Early infantile epileptic encephalopathy. Last evaluated: 2019-07-17. Review status: criteria provided, single submitter. Criteria: ACMG Guidelines, 2015. Collection method: research. Allele origin: inherited. Inheritance: Autosomal recessive inheritance. Affected: yes. Observed: 2 variant alleles.

OMIM
Classification: Pathogenic for DEVELOPMENTAL AND EPILEPTIC ENCEPHALOPATHY 82. Last evaluated: 2020-10-11. Review status: no assertion criteria provided. Collection method: literature only. Allele origin: germline. Not counted in ClinVar's aggregate classification.

Literature cited by the submitters: PubMed 31422819 (cited by 3 submitters).